The following is an entry in ClinVar:

NM_004046.6(ATP5F1A):c.247C>T (p.Arg83Cys)

Gene: ATP5F1A (ATP synthase F1 subunit alpha; minus strand). Cytogenetic location: 18q21.1.
Variant type: single nucleotide variant.
Coding change: c.247C>T on transcript NM_004046.6 (MANE Select); coding-DNA position 247, C replaced by T.
Protein change: p.Arg83Cys; replaces arginine 83 with cysteine.
Molecular consequence: missense variant.
Genome position (GRCh38, 1-based): chr18:46,091,744, G>A on the plus strand (C>T on the coding strand, the complement: ATP5F1A is on the minus strand). VCF-style: chr18-46091744-G-A. GRCh37 (hg19) VCF-style: chr18-43671710-G-A.
Other names: c.97C>T, p.Arg33Cys (NM_001001935.3, NM_001257335.2); c.247C>T, p.Arg83Cys (NM_001001937.2, NM_001257334.2); short protein forms R33C, R83C.
Identifiers: ClinVar variation 3667164 (VCV003667164.1).
Genomic context (GRCh38, chr18:46,091,744, plus strand): 5'-TTAAGCCTGAAGAAAACTCTACCATTTCTTCTGCTTGAACATTCCTCAGCCCATGTACGC[G>A]GGCAATACCATCACCAATACTTAAGACACGCCCAGTTTCTTCAAGATCAACAGAGGTATC-3'
Protein context (NP_004037.1, residues 73-93): RVLSIGDGIA[Arg83Cys]VHGLRNVQAE

ClinVar aggregate classification (germline): Uncertain significance (1 of 4 stars; one submission).

Submission:

Labcorp Genetics (formerly Invitae), Labcorp
Classification: Uncertain significance. Last evaluated: 2024-11-19. Review status: criteria provided, single submitter. Criteria: Invitae Variant Classification Sherloc (09022015). Collection method: clinical testing. Allele origin: germline.
Comment: This sequence change replaces arginine, which is basic and polar, with cysteine, which is neutral and slightly polar, at codon 83 of the ATP5A1 protein (p.Arg83Cys). This variant is not present in population databases (gnomAD no frequency). This variant has not been reported in the literature in individuals affected with ATP5A1-related conditions. Invitae Evidence Modeling of protein sequence and biophysical properties (such as structural, functional, and spatial information, amino acid conservation, physicochemical variation, residue mobility, and thermodynamic stability) indicates that this missense variant is expected to disrupt ATP5A1 protein function with a positive predictive value of 80%. In summary, the available evidence is currently insufficient to determine the role of this variant in disease. Therefore, it has been classified as a Variant of Uncertain Significance.